The following is an entry in ClinVar:

ClinVar aggregate classification (germline): Uncertain significance. Review status: criteria provided, multiple submitters, no conflicts (2 of 4 stars). 3 submissions from 3 submitters: Uncertain significance (3). Last evaluated 2026-02-17.

Conditions:
Cardiovascular phenotype. Identifiers: MedGen CN230736.

Allele frequency attached by ClinVar (database versions not stated): gnomAD 0.00002; TOPMed 0.00003; gnomAD exomes 0.00001.
gnomAD v4.1: 19 of 1,549,598 alleles (0.0012%); highest among the groups gnomAD compares: South Asian, 0.0036%; no homozygotes.

Submissions (3):

Women's Health and Genetics/Laboratory Corporation of America, LabCorp
Classification: Uncertain significance. Last evaluated: 2026-02-17. Review status: criteria provided, single submitter. Criteria: LabCorp Variant Classification Summary - May 2015. Collection method: clinical testing. Allele origin: germline.
Comment: Variant summary: ZNF469 c.4754C>T (p.Pro1585Leu) results in a non-conservative amino acid change in the encoded protein sequence. Algorithms developed to predict the effect of missense changes on protein structure and function are either unavailable or do not agree on the potential impact of this missense change. The variant allele was found at a frequency of 6.5e-06 in 152678 control chromosomes. The available data on variant occurrences in the general population are insufficient to allow any conclusion about variant significance. To our knowledge, no occurrence of c.4754C>T in individuals affected with ZNF469-related conditions and no experimental evidence demonstrating its impact on protein function have been reported. ClinVar contains an entry for this variant (Variation ID: 3232816). Based on the evidence outlined above, the variant was classified as uncertain significance.

Labcorp Genetics (formerly Invitae), Labcorp
Classification: Uncertain significance. Last evaluated: 2025-09-03. Review status: criteria provided, single submitter. Criteria: Invitae Variant Classification Sherloc (09022015). Collection method: clinical testing. Allele origin: germline.
Comment: This sequence change replaces proline, which is neutral and non-polar, with leucine, which is neutral and non-polar, at codon 1557 of the ZNF469 protein (p.Pro1557Leu). The frequency data for this variant in the population databases is considered unreliable, as metrics indicate poor data quality at this position in the gnomAD database. This variant has not been reported in the literature in individuals affected with ZNF469-related conditions. ClinVar contains an entry for this variant (Variation ID: 3232816). An algorithm developed to predict the effect of missense changes on protein structure and function outputs the following: PolyPhen-2: "Benign". The leucine amino acid residue is found in multiple mammalian species, which suggests that this missense change does not adversely affect protein function. In summary, the available evidence is currently insufficient to determine the role of this variant in disease. Therefore, it has been classified as a Variant of Uncertain Significance.

Ambry Genetics
Classification: Uncertain significance for Cardiovascular phenotype. Last evaluated: 2023-11-28. Review status: criteria provided, single submitter. Criteria: Ambry Variant Classification Scheme 2023. Collection method: clinical testing. Allele origin: germline.
Comment: The p.P1557L variant (also known as c.4670C>T), located in coding exon 2 of the ZNF469 gene, results from a C to T substitution at nucleotide position 4670. The proline at codon 1557 is replaced by leucine, an amino acid with similar properties. This amino acid position is conserved. In addition, this alteration is predicted to be tolerated by in silico analysis. Since supporting evidence is limited at this time, the clinical significance of this alteration remains unclear.

NM_001367624.2(ZNF469):c.4754C>T (p.Pro1585Leu)

Gene: ZNF469 (zinc finger protein 469; plus strand). Cytogenetic location: 16q24.2.
Variant type: single nucleotide variant.
Coding change: c.4754C>T on transcript NM_001367624.2 (MANE Select); coding-DNA position 4754, C replaced by T.
Protein change: p.Pro1585Leu; replaces proline 1585 with leucine.
Molecular consequence: missense variant.
Genome position (GRCh38, 1-based): chr16:88,432,224, C>T. VCF-style: chr16-88432224-C-T. GRCh37 (hg19) VCF-style: chr16-88498632-C-T.
Other names: NM_001127464.1:c.4670C>T; short protein forms P1585L.
Identifiers: ClinVar variation 3232816 (VCV003232816.3), dbSNP rs1055551711, ClinGen allele CA286376532.